The following is an entry in ClinVar:

ClinVar aggregate classification (germline): Likely benign (0 of 4 stars; one submission).

Conditions:
CUL9-related disorder. Also called: CUL9-related condition.

Allele frequency attached by ClinVar (database versions not stated): ESP Exome Variant Server 0.00077; 1000 Genomes Project 30x 0.00078; 1000 Genomes Project 0.00080.
gnomAD v4.1: 364 of 1,613,892 alleles (0.023%); highest among the groups gnomAD compares: African/African-American, 0.29%; no homozygotes.

Submission:

PreventionGenetics, part of Exact Sciences
Classification: Likely benign for CUL9-related condition. Last evaluated: 2019-04-04. Review status: no assertion criteria provided. Collection method: clinical testing. Allele origin: germline.
Comment: This variant is classified as likely benign based on ACMG/AMP sequence variant interpretation guidelines (Richards et al. 2015 PMID: 25741868, with internal and published modifications).

NM_015089.4(CUL9):c.7044C>T (p.Tyr2348=)

Gene: CUL9 (cullin 9; plus strand). Cytogenetic location: 6p21.1.
Variant type: single nucleotide variant.
Coding change: c.7044C>T on transcript NM_015089.4 (MANE Select); coding-DNA position 7044, C replaced by T.
Protein change: p.Tyr2348=; no amino-acid change (tyrosine 2348 retained).
Molecular consequence: synonymous variant.
Genome position (GRCh38, 1-based): chr6:43,222,790, C>T. VCF-style: chr6-43222790-C-T. GRCh37 (hg19) VCF-style: chr6-43190528-C-T.
Identifiers: ClinVar variation 3038383 (VCV003038383.2), dbSNP rs148863964, ClinGen allele CA3818874.